The following is an entry in ClinVar:

NM_001025616.3(ARHGAP24):c.193del (p.Leu65fs)

Gene: ARHGAP24 (Rho GTPase activating protein 24; plus strand). Cytogenetic location: 4q21.23.
Variant type: Deletion.
Coding change: c.193del on transcript NM_001025616.3 (MANE Select); coding-DNA position 193, one base deleted (C; older notation c.193delC).
Protein change: p.Leu65fs; shifts the reading frame from leucine 65.
Molecular consequence: frameshift variant.
Genome position (GRCh38, 1-based): chr4:85,721,897, C deleted. VCF-style (leftmost placement, unchanged base first): chr4-85721896-TC-T. GRCh37 (hg19) VCF-style: chr4-86643049-TC-T.
Other names: short protein forms L65fs.
Identifiers: ClinVar variation 2123501 (VCV002123501.4), dbSNP rs1724957232, ClinGen allele CA1473773611.

ClinVar aggregate classification (germline): Uncertain significance (1 of 4 stars; one submission).

Allele frequency attached by ClinVar (database versions not stated): TOPMed below 0.00001.

Submission:

Labcorp Genetics (formerly Invitae), Labcorp
Classification: Uncertain significance. Last evaluated: 2022-04-11. Review status: criteria provided, single submitter. Criteria: Invitae Variant Classification Sherloc (09022015). Collection method: clinical testing. Allele origin: germline.
Comment: In summary, the available evidence is currently insufficient to determine the role of this variant in disease. Therefore, it has been classified as a Variant of Uncertain Significance. This variant has not been reported in the literature in individuals affected with ARHGAP24-related conditions. This variant is not present in population databases (gnomAD no frequency). This sequence change creates a premature translational stop signal (p.Leu65Cysfs*23) in the ARHGAP24 gene. It is expected to result in an absent or disrupted protein product. However, the current clinical and genetic evidence is not sufficient to establish whether loss-of-function variants in ARHGAP24 cause disease.